The following is an entry in ClinVar:

NM_001101362.3(KBTBD13):c.975G>A (p.Val325=)

Gene: KBTBD13 (kelch repeat and BTB domain containing 13; plus strand). Cytogenetic location: 15q22.31.
Variant type: single nucleotide variant.
Coding change: c.975G>A on transcript NM_001101362.3 (MANE Select); coding-DNA position 975, G replaced by A.
Protein change: p.Val325=; no amino-acid change (valine 325 retained).
Molecular consequence: synonymous variant.
Genome position (GRCh38, 1-based): chr15:65,077,790, G>A. VCF-style: chr15-65077790-G-A. GRCh37 (hg19) VCF-style: chr15-65370128-G-A.
Identifiers: ClinVar variation 3620606 (VCV003620606.2).

ClinVar aggregate classification (germline): Uncertain significance (1 of 4 stars; one submission).

Conditions:
Nemaline myopathy 6 (NEM6). Also called: Nemaline myopathy 6, autosomal dominant. Identifiers: Orphanet 171439, MedGen C1836472, MONDO:0012237, OMIM 609273.

Submission:

Labcorp Genetics (formerly Invitae), Labcorp
Classification: Uncertain significance for Nemaline myopathy 6. Last evaluated: 2024-10-12. Review status: criteria provided, single submitter. Criteria: Invitae Variant Classification Sherloc (09022015). Collection method: clinical testing. Allele origin: germline.
Comment: This sequence change affects codon 325 of the KBTBD13 mRNA. It is a 'silent' change, meaning that it does not change the encoded amino acid sequence of the KBTBD13 protein. This variant is not present in population databases (gnomAD no frequency). This variant has not been reported in the literature in individuals affected with KBTBD13-related conditions. In summary, the available evidence is currently insufficient to determine the role of this variant in disease. Therefore, it has been classified as a Variant of Uncertain Significance.